The following is an entry in ClinVar:

ClinVar aggregate classification (germline): Conflicting classifications of pathogenicity. Review status: criteria provided, conflicting classifications (1 of 4 stars). 3 submissions from 3 submitters: Uncertain significance (2); Likely benign (1). Last evaluated 2025-06-05.

Conditions:
Progressive familial heart block type IB (PFHB1B). Identifiers: Orphanet 871, MedGen C1970298, MONDO:0011474, OMIM 604559.
Cardiovascular phenotype. Identifiers: MedGen CN230736.

Allele frequency attached by ClinVar (database versions not stated): gnomAD exomes 0.00002 and 0.00008; TOPMed 0.00002; ESP Exome Variant Server 0.00008.

Submissions (3):

Labcorp Genetics (formerly Invitae), Labcorp
Classification: Uncertain significance for Progressive familial heart block type IB. Last evaluated: 2025-06-05. Review status: criteria provided, single submitter. Criteria: Invitae Variant Classification Sherloc (09022015). Collection method: clinical testing. Allele origin: germline.
Comment: This sequence change replaces methionine, which is neutral and non-polar, with isoleucine, which is neutral and non-polar, at codon 537 of the TRPM4 protein (p.Met537Ile). This variant is present in population databases (rs372498983, gnomAD 0.006%). This variant has not been reported in the literature in individuals affected with TRPM4-related conditions. ClinVar contains an entry for this variant (Variation ID: 658210). An algorithm developed to predict the effect of missense changes on protein structure and function (PolyPhen-2) suggests that this variant is likely to be tolerated. In summary, the available evidence is currently insufficient to determine the role of this variant in disease. Therefore, it has been classified as a Variant of Uncertain Significance.

Ambry Genetics
Classification: Likely benign for Cardiovascular phenotype. Last evaluated: 2025-02-07. Review status: criteria provided, single submitter. Criteria: Ambry Variant Classification Scheme 2023. Collection method: clinical testing. Allele origin: germline.

GeneDx
Classification: Uncertain significance. Last evaluated: 2019-07-22. Review status: criteria provided, single submitter. Criteria: GeneDx Variant Classification Process June 2021. Collection method: clinical testing. Allele origin: germline. Affected: yes.
Comment: Has not been previously published as pathogenic or benign to our knowledge; Not observed at a significant frequency in large population cohorts (Lek et al., 2016); In silico analysis, which includes protein predictors and evolutionary conservation, supports that this variant does not alter protein structure/function

NM_017636.4(TRPM4):c.1611G>A (p.Met537Ile)

Gene: TRPM4 (transient receptor potential cation channel subfamily M member 4; plus strand). Cytogenetic location: 19q13.33.
Variant type: single nucleotide variant.
Coding change: c.1611G>A on transcript NM_017636.4 (MANE Select); coding-DNA position 1611, G replaced by A.
Protein change: p.Met537Ile; replaces methionine 537 with isoleucine.
Molecular consequence: missense variant. On other transcripts: initiator codon variant (1).
Genome position (GRCh38, 1-based): chr19:49,183,080, G>A. VCF-style: chr19-49183080-G-A. GRCh37 (hg19) VCF-style: chr19-49686337-G-A.
Other names: c.1611G>A, p.Met537Ile (NM_001195227.2); c.1266G>A, p.Met422Ile (NM_001321281.2); c.3G>A, p.Met1Ile (NM_001321282.2); c.1089G>A, p.Met363Ile (NM_001321283.2); c.549G>A, p.Met183Ile (NM_001321285.2); short protein forms M363I, M183I, M1I, M422I, M537I.
Identifiers: ClinVar variation 658210 (VCV000658210.13), dbSNP rs372498983, ClinGen allele CA309443457.